The following is an entry in ClinVar:

NC_000015.10:g.(?_48444531)_(48448903_?)del

Gene: FBN1 (fibrillin 1; minus strand). Cytogenetic location: 15q21.1.
Variant type: Deletion.
Identifiers: ClinVar variation 647456 (VCV000647456.7).

ClinVar aggregate classification (germline): Pathogenic (1 of 4 stars; one submission).

Conditions:
Familial thoracic aortic aneurysm and aortic dissection (TAAD). Also called: Thoracic aortic aneurysms and dissections. Identifiers: Orphanet 91387, MedGen C4707243, MONDO:0019625.
Marfan syndrome (MFS). Also called: FBN1-Related Marfan Syndrome; Marfan syndrome type 1; Marfan's syndrome; Marfan syndrome, classic; MARFAN SYNDROME, TYPE I. Identifiers: Orphanet 284963, Orphanet 558, MedGen C0024796, MONDO:0007947, OMIM 154700.

Submission:

Labcorp Genetics (formerly Invitae), Labcorp
Classification: Pathogenic for Marfan syndrome; Familial thoracic aortic aneurysm and aortic dissection. Last evaluated: 2018-09-23. Review status: criteria provided, single submitter. Criteria: Invitae Variant Classification Sherloc (09022015). Collection method: clinical testing. Allele origin: germline.
Comment: For these reasons, this variant has been classified as Pathogenic. This variant affects cysteine residues in the EGF-like, TGFBP or hybrid motif domains FBN1. Cysteine residues are believed to be involved in intramolecular disulfide bridges and have been shown to be important for FBN1 protein structure (PMID: 16905551, 19349279). In addition, missense substitutions affecting cysteine residues within these domains are significantly overrepresented among patients with Marfan syndrome (PMID: 16571647, 17701892). This variant has not been reported in the literature in individuals with FBN1-related disease. This variant is an in-frame deletion of the genomic region encompassing exons 46-49 of the FBN1 gene. It preserves the integrity of the reading frame.

Literature cited by the submitters: PubMed 16905551; PubMed 19349279; PubMed 16571647; PubMed 17701892.